The following is an entry in ClinVar:

NM_007055.4(POLR3A):c.*1303C>T

Gene: POLR3A (RNA polymerase III subunit A; minus strand). Cytogenetic location: 10q22.3.
Variant type: single nucleotide variant.
Coding change: c.*1303C>T on transcript NM_007055.4 (MANE Select); 1303 bases downstream of the stop codon, C replaced by T.
Molecular consequence: 3 prime UTR variant.
Genome position (GRCh38, 1-based): chr10:77,976,175, G>A on the plus strand (C>T on the coding strand, the complement: POLR3A is on the minus strand). VCF-style: chr10-77976175-G-A. GRCh37 (hg19) VCF-style: chr10-79735933-G-A.
Identifiers: ClinVar variation 301010 (VCV000301010.5), dbSNP rs188968443, ClinGen allele CA10632374.
Genomic context (GRCh38, chr10:77,976,175, plus strand): 5'-TTTTTACGCTTAATTTTTTTCTTTTTTTTTTTTGAGACAAGGTCTTGCTTTGTTGCCCAG[G>A]CTGGAGTGTAGTGGCACGATCTTGGCTCACTACAACCTCCACCTCCCAGGCTCAAGTGAA-3'

ClinVar aggregate classification (germline): Benign (1 of 4 stars; one submission).

Conditions:
Leukodystrophy, hypomyelinating, 7, with or without oligodontia and/or hypogonadotropic hypogonadism (HLD7). Also called: LEUKOENCEPHALOPATHY, HYPOMYELINATING, WITH ATAXIA AND DELAYED DENTITION; ATAXIA, DELAYED DENTITION, AND HYPOMYELINATION; LEUKODYSTROPHY, HYPOMYELINATING, 7, WITH OLIGODONTIA; LEUKODYSTROPHY, HYPOMYELINATING, 7, WITH OLIGODONTIA AND HYPOGONADOTROPIC HYPOGONADISM; LEUKODYSTROPHY, HYPOMYELINATING, 7, WITHOUT OLIGODONTIA OR HYPOGONADOTROPIC HYPOGONADISM; Ataxia, Delayed Dentition and Hypomyelination (ADDH). Identifiers: Orphanet 137639, Orphanet 447893, Orphanet 447896, Orphanet 77295, Orphanet 88637, MedGen CN034185, MONDO:0011897, OMIM 607694.

Allele frequency attached by ClinVar (database versions not stated): gnomAD 0.00049 and 0.00074; TOPMed 0.00070; 1000 Genomes Project 30x 0.00359; 1000 Genomes Project 0.00379.

Submission:

Illumina Laboratory Services, Illumina
Classification: Benign for Leukodystrophy, hypomyelinating, 7, with or without oligodontia and/or hypogonadotropic hypogonadism. Last evaluated: 2018-01-13. Review status: criteria provided, single submitter. Criteria: ICSL Variant Classification Criteria 13 December 2019. Collection method: clinical testing. Allele origin: germline.
Comment: This variant was observed in the ICSL laboratory as part of a predisposition screen in an ostensibly healthy population. It had not been previously curated by ICSL or reported in the Human Gene Mutation Database (HGMD: prior to June 1st, 2018), and was therefore a candidate for classification through an automated scoring system. Utilizing variant allele frequency, disease prevalence and penetrance estimates, and inheritance mode, an automated score was calculated to assess if this variant is too frequent to cause the disease. Based on the score and internal cut-off values, a variant classified as benign is not then subjected to further curation. The score for this variant resulted in a classification of benign for this disease.